The following is an entry in ClinVar:

ClinVar aggregate classification (germline): Uncertain significance. Review status: criteria provided, multiple submitters, no conflicts (2 of 4 stars). 2 submissions from 2 submitters: Uncertain significance (2). Last evaluated 2021-10-18.

Conditions:
Inborn genetic diseases. Identifiers: MedGen C0950123, MeSH D030342.
Hereditary spastic paraplegia 28. Also called: Spastic paraplegia 28, autosomal recessive. Identifiers: Orphanet 101008, MedGen C1836295, MONDO:0012256, OMIM 609340.

gnomAD v4.1: 1 of 1,614,140 alleles (0.000062%); highest among the groups gnomAD compares: Non-Finnish European, 0.000085%; no homozygotes.

Submissions (2):

Labcorp Genetics (formerly Invitae), Labcorp
Classification: Uncertain significance for Hereditary spastic paraplegia 28. Last evaluated: 2021-10-18. Review status: criteria provided, single submitter. Criteria: Invitae Variant Classification Sherloc (09022015). Collection method: clinical testing. Allele origin: germline.
Comment: This variant has not been reported in the literature in individuals affected with DDHD1-related conditions. This variant is not present in population databases (ExAC no frequency). This sequence change replaces serine with glycine at codon 730 of the DDHD1 protein (p.Ser730Gly). The serine residue is highly conserved and there is a small physicochemical difference between serine and glycine. Algorithms developed to predict the effect of missense changes on protein structure and function are either unavailable or do not agree on the potential impact of this missense change (SIFT: "Tolerated"; PolyPhen-2: "Possibly Damaging"; Align-GVGD: "Class C0"). In summary, the available evidence is currently insufficient to determine the role of this variant in disease. Therefore, it has been classified as a Variant of Uncertain Significance. Algorithms developed to predict the effect of sequence changes on RNA splicing suggest that this variant may create or strengthen a splice site.

Ambry Genetics
Classification: Uncertain significance for Inborn genetic diseases. Last evaluated: 2021-09-30. Review status: criteria provided, single submitter. Criteria: Ambry Variant Classification Scheme 2023. Collection method: clinical testing. Allele origin: germline.

NM_001160148.2(DDHD1):c.2167A>G (p.Ser723Gly)

Gene: DDHD1 (DDHD domain containing 1; minus strand). Cytogenetic location: 14q22.1.
Variant type: single nucleotide variant.
Coding change: c.2167A>G on transcript NM_001160148.2 (MANE Select); coding-DNA position 2167, A replaced by G.
Protein change: p.Ser723Gly; replaces serine 723 with glycine.
Molecular consequence: missense variant.
Genome position (GRCh38, 1-based): chr14:53,055,738, T>C on the plus strand (A>G on the coding strand, the complement: DDHD1 is on the minus strand). VCF-style: chr14-53055738-T-C. GRCh37 (hg19) VCF-style: chr14-53522456-T-C.
Other names: c.2188A>G, p.Ser730Gly (NM_001160147.2); c.2167A>G, p.Ser723Gly (NM_030637.3); c.2167A>G (NM_001160148.1); short protein forms S723G, S730G.
Identifiers: ClinVar variation 1443558 (VCV001443558.7), dbSNP rs2139839860, ClinGen allele CA389770842.